The following is an entry in ClinVar:

ClinVar aggregate classification (germline): Uncertain significance (1 of 4 stars; one submission).

gnomAD v4.1: 1 of 1,612,638 alleles (0.000062%); highest among the groups gnomAD compares: Non-Finnish European, 0.000085%; no homozygotes.

Submission:

GeneDx
Classification: Uncertain significance. Last evaluated: 2026-03-16. Review status: criteria provided, single submitter. Criteria: GeneDx Variant Classification Process June 2021. Collection method: clinical testing. Allele origin: germline.
Comment: Not observed at significant frequency in large population cohorts (gnomAD); In silico analysis supports that this missense variant has a deleterious effect on protein structure/function; Has not been previously published as pathogenic or benign to our knowledge; In silico analysis suggests this variant may impact gene splicing. In the absence of RNA/functional studies, the actual effect of this sequence change is unknown.

NM_080680.3(COL11A2):c.2888A>T (p.Glu963Val)

Gene: COL11A2 (collagen type XI alpha 2 chain; minus strand). Cytogenetic location: 6p21.32.
Variant type: single nucleotide variant.
Coding change: c.2888A>T on transcript NM_080680.3 (MANE Select); coding-DNA position 2888, A replaced by T.
Protein change: p.Glu963Val; replaces glutamic acid 963 with valine.
Molecular consequence: missense variant.
Genome position (GRCh38, 1-based): chr6:33,172,540, T>A on the plus strand (A>T on the coding strand, the complement: COL11A2 is on the minus strand). VCF-style: chr6-33172540-T-A. GRCh37 (hg19) VCF-style: chr6-33140317-T-A.
Other names: c.2708A>T, p.Glu903Val (NM_001424108.1); c.2042A>T, p.Glu681Val (NM_001424109.1); c.1862A>T, p.Glu621Val (NM_001424110.1, NM_001424111.1); c.842A>T, p.Glu281Val (NM_001424112.1); c.2567A>T, p.Glu856Val (NM_080679.3); c.2630A>T, p.Glu877Val (NM_080681.3); short protein forms E281V, E681V, E963V, E856V, E877V, E903V, E621V.
Identifiers: ClinVar variation 5008899 (VCV005008899.1).